The following is an entry in ClinVar:

ClinVar aggregate classification (germline): Likely benign (1 of 4 stars; one submission).

Submission:

CeGaT Center for Human Genetics Tuebingen
Classification: Likely benign. Last evaluated: 2024-09-01. Review status: criteria provided, single submitter. Criteria: CeGaT Center For Human Genetics Tuebingen Variant Classification Criteria Version 2. Collection method: clinical testing. Allele origin: germline. Affected: yes. Observed: 1 variant allele.
Comment: MAN2C1: BP4, BP7, BS2

NM_006715.4(MAN2C1):c.1905C>T (p.Ile635=)

Gene: MAN2C1 (mannosidase alpha class 2C member 1; minus strand). Cytogenetic location: 15q24.2.
Variant type: single nucleotide variant.
Coding change: c.1905C>T on transcript NM_006715.4 (MANE Select); coding-DNA position 1905, C replaced by T.
Protein change: p.Ile635=; no amino-acid change (isoleucine 635 retained).
Molecular consequence: synonymous variant.
Genome position (GRCh38, 1-based): chr15:75,359,663, G>A on the plus strand (C>T on the coding strand, the complement: MAN2C1 is on the minus strand). VCF-style: chr15-75359663-G-A. GRCh37 (hg19) VCF-style: chr15-75652004-G-A.
Other names: c.1905C>T, p.Ile635= (NM_001256494.2, NM_001256495.2); c.1608C>T, p.Ile536= (NM_001256496.2).
Identifiers: ClinVar variation 3388063 (VCV003388063.14).